The following is an entry in ClinVar:

NM_015141.4(GPD1L):c.712A>G (p.Ile238Val)

Gene: GPD1L (glycerol-3-phosphate dehydrogenase 1 like; plus strand). Cytogenetic location: 3p22.3.
Variant type: single nucleotide variant.
Coding change: c.712A>G on transcript NM_015141.4 (MANE Select); coding-DNA position 712, A replaced by G.
Protein change: p.Ile238Val; replaces isoleucine 238 with valine.
Molecular consequence: missense variant.
Genome position (GRCh38, 1-based): chr3:32,158,969, A>G. VCF-style: chr3-32158969-A-G. GRCh37 (hg19) VCF-style: chr3-32200461-A-G.
Other names: short protein forms I238V.
Identifiers: ClinVar variation 4753943 (VCV004753943.1).

ClinVar aggregate classification (germline): Uncertain significance (1 of 4 stars; one submission).

Conditions:
Brugada syndrome. Also called: Sudden unexpected nocturnal death syndrome; Sudden unexplained nocturnal death syndrome; Sudden Unexplained Death Syndrome; Sudden Unexplained Nocturnal Death Syndrome (SUNDS). Identifiers: Orphanet 130, MedGen C1142166, MONDO:0015263.

Submission:

Labcorp Genetics (formerly Invitae), Labcorp
Classification: Uncertain significance for Brugada syndrome. Last evaluated: 2025-02-15. Review status: criteria provided, single submitter. Criteria: Invitae Variant Classification Sherloc (09022015). Collection method: clinical testing. Allele origin: germline.
Comment: This sequence change replaces isoleucine, which is neutral and non-polar, with valine, which is neutral and non-polar, at codon 238 of the GPD1L protein (p.Ile238Val). This variant is not present in population databases (gnomAD no frequency). This variant has not been reported in the literature in individuals affected with GPD1L-related conditions. Invitae Evidence Modeling of protein sequence and biophysical properties (such as structural, functional, and spatial information, amino acid conservation, physicochemical variation, residue mobility, and thermodynamic stability) indicates that this missense variant is not expected to disrupt GPD1L protein function with a negative predictive value of 80%. In summary, the available evidence is currently insufficient to determine the role of this variant in disease. Therefore, it has been classified as a Variant of Uncertain Significance.